The following is an entry in ClinVar:

ClinVar aggregate classification (germline): Uncertain significance (1 of 4 stars; one submission).

Conditions:
Aneurysm-osteoarthritis syndrome. Also called: SMAD3-Related Loeys-Dietz Syndrome; ANEURYSMS-OSTEOARTHRITIS SYNDROME; LOEYS-DIETZ SYNDROME WITH OSTEOARTHRITIS; Loeys-Dietz syndrome, type 1C. Identifiers: Orphanet 284984, MedGen C3151087, MONDO:0013426, OMIM 613795.
Familial thoracic aortic aneurysm and aortic dissection (TAAD). Also called: Thoracic aortic aneurysms and dissections. Identifiers: Orphanet 91387, MedGen C4707243, MONDO:0019625.

Submission:

Ambry Genetics
Classification: Uncertain significance for Familial thoracic aortic aneurysm and aortic dissection. Last evaluated: 2023-03-31. Review status: criteria provided, single submitter. Criteria: Ambry Variant Classification Scheme 2023. Collection method: clinical testing. Allele origin: germline.
Comment: The p.T367P variant (also known as c.1099A>C), located in coding exon 8 of the SMAD3 gene, results from an A to C substitution at nucleotide position 1099. The threonine at codon 367 is replaced by proline, an amino acid with highly similar properties. This amino acid position is conserved. In addition, this alteration is predicted to be deleterious by in silico analysis. Since supporting evidence is limited at this time, the clinical significance of this alteration remains unclear.

NM_005902.4(SMAD3):c.1099A>C (p.Thr367Pro)

Gene: SMAD3 (SMAD family member 3; plus strand). Cytogenetic location: 15q22.33.
Variant type: single nucleotide variant.
Coding change: c.1099A>C on transcript NM_005902.4 (MANE Select); coding-DNA position 1099, A replaced by C.
Protein change: p.Thr367Pro; replaces threonine 367 with proline.
Molecular consequence: missense variant.
Genome position (GRCh38, 1-based): chr15:67,187,454, A>C. VCF-style: chr15-67187454-A-C. GRCh37 (hg19) VCF-style: chr15-67479792-A-C.
Other names: c.784A>C, p.Thr262Pro (NM_001145102.2, NM_001407016.1); c.967A>C, p.Thr323Pro (NM_001145103.2, NM_001407012.1); c.514A>C, p.Thr172Pro (NM_001145104.2, NM_001407017.1); c.1210A>C, p.Thr404Pro (NM_001407011.1); c.961A>C, p.Thr321Pro (NM_001407013.1); c.952A>C, p.Thr318Pro (NM_001407014.1); c.652A>C, p.Thr218Pro (NM_001407015.1); short protein forms T172P, T218P, T262P, T367P, T318P, T404P, T321P, T323P.
Identifiers: ClinVar variation 2566748 (VCV002566748.3), dbSNP rs2505310743, ClinGen allele CA392958247.
Genomic context (GRCh38, chr15:67,187,454, plus strand): 5'-GAGTTCGCTGCCCTCCTGGCCCAGTCGGTCAACCAGGGCTTTGAGGCTGTCTACCAGTTG[A>C]CCCGAATGTGCACCATCCGCATGAGCTTCGTCAAAGGCTGGGGAGCGGAGTACAGGTCAG-3'
Protein context (NP_005893.1, residues 357-377): NQGFEAVYQL[Thr367Pro]RMCTIRMSFV